The following is an entry in ClinVar:

NM_000038.6(APC):c.6925C>G (p.Pro2309Ala)

Gene: APC (APC regulator of Wnt signaling pathway; plus strand). Cytogenetic location: 5q22.2.
Variant type: single nucleotide variant.
Coding change: c.6925C>G on transcript NM_000038.6 (MANE Select); coding-DNA position 6925, C replaced by G.
Protein change: p.Pro2309Ala; replaces proline 2309 with alanine.
Molecular consequence: missense variant.
Genome position (GRCh38, 1-based): chr5:112,842,519, C>G. VCF-style: chr5-112842519-C-G. GRCh37 (hg19) VCF-style: chr5-112178216-C-G.
Other names: c.6925C>G, p.Pro2309Ala (NM_001127510.3, NM_001354895.2); c.6871C>G, p.Pro2291Ala (NM_001127511.3); c.6979C>G, p.Pro2327Ala (NM_001354896.2); c.6955C>G, p.Pro2319Ala (NM_001354897.2); c.6850C>G, p.Pro2284Ala (NM_001354898.2); c.6841C>G, p.Pro2281Ala (NM_001354899.2); c.6802C>G, p.Pro2268Ala (NM_001354900.2); c.6748C>G, p.Pro2250Ala (NM_001354901.2); and 5 more; short protein forms P2268A, P2284A, P2291A, P2149A, P2250A, P2281A, P2309A, P2183A.
Identifiers: ClinVar variation 655589 (VCV000655589.10), dbSNP rs1390932771, ClinGen allele CA16036437.

ClinVar aggregate classification (germline): Uncertain significance (1 of 4 stars; one submission).

Conditions:
Familial adenomatous polyposis 1 (FAP1). Also called: FAMILIAL ADENOMATOUS POLYPOSIS 1, ATTENUATED; POLYPOSIS, ADENOMATOUS INTESTINAL. Identifiers: MedGen C2713442, MONDO:0021056, OMIM 175100. Disease mechanism: loss of function.

Allele frequency attached by ClinVar (database versions not stated): TOPMed 0.00001.

Submission:

Labcorp Genetics (formerly Invitae), Labcorp
Classification: Uncertain significance for Familial adenomatous polyposis 1. Last evaluated: 2018-12-30. Review status: criteria provided, single submitter. Criteria: Invitae Variant Classification Sherloc (09022015). Collection method: clinical testing. Allele origin: germline.
Comment: In summary, the available evidence is currently insufficient to determine the role of this variant in disease. Therefore, it has been classified as a Variant of Uncertain Significance. Algorithms developed to predict the effect of missense changes on protein structure and function are either unavailable or do not agree on the potential impact of this missense change (SIFT: "Tolerated"; PolyPhen-2: "Possibly Damaging"; Align-GVGD: "Class C0"). This variant has not been reported in the literature in individuals with APC-related conditions. This variant is not present in population databases (ExAC no frequency). This sequence change replaces proline with alanine at codon 2309 of the APC protein (p.Pro2309Ala). The proline residue is highly conserved and there is a small physicochemical difference between proline and alanine.